The following is an entry in ClinVar:

NM_005633.4(SOS1):c.406T>A (p.Tyr136Asn)

Gene: SOS1 (SOS Ras/Rac guanine nucleotide exchange factor 1; minus strand). Cytogenetic location: 2p22.1.
Variant type: single nucleotide variant.
Coding change: c.406T>A on transcript NM_005633.4 (MANE Select); coding-DNA position 406, T replaced by A.
Protein change: p.Tyr136Asn; replaces tyrosine 136 with asparagine.
Molecular consequence: missense variant.
Genome position (GRCh38, 1-based): chr2:39,056,806, A>T on the plus strand (T>A on the coding strand, the complement: SOS1 is on the minus strand). VCF-style: chr2-39056806-A-T. GRCh37 (hg19) VCF-style: chr2-39283947-A-T.
Other names: c.385T>A, p.Tyr129Asn (NM_001382394.1); c.406T>A, p.Tyr136Asn (NM_001382395.1); short protein forms Y129N, Y136N.
Identifiers: ClinVar variation 5016797 (VCV005016797.1).

ClinVar aggregate classification (germline): Likely pathogenic (1 of 4 stars; one submission).

Submission:

GeneDx
Classification: Likely pathogenic. Last evaluated: 2026-03-31. Review status: criteria provided, single submitter. Criteria: GeneDx Variant Classification Process June 2021. Collection method: clinical testing. Allele origin: germline.
Comment: Not observed at significant frequency in large population cohorts (gnomAD); Missense variants in this gene are a common cause of disease and they are underrepresented in the general population; In silico analysis supports that this missense variant has a deleterious effect on protein structure/function; Has not been previously published as pathogenic or benign to our knowledge